The following is an entry in ClinVar:

NM_022166.4(XYLT1):c.1271C>T (p.Ala424Val)

Gene: XYLT1 (xylosyltransferase 1; minus strand). Cytogenetic location: 16p12.3.
Variant type: single nucleotide variant.
Coding change: c.1271C>T on transcript NM_022166.4 (MANE Select); coding-DNA position 1271, C replaced by T.
Protein change: p.Ala424Val; replaces alanine 424 with valine.
Molecular consequence: missense variant.
Genome position (GRCh38, 1-based): chr16:17,198,230, G>A on the plus strand (C>T on the coding strand, the complement: XYLT1 is on the minus strand). VCF-style: chr16-17198230-G-A. GRCh37 (hg19) VCF-style: chr16-17292087-G-A.
Other names: short protein forms A424V.
Identifiers: ClinVar variation 2063295 (VCV002063295.4), dbSNP rs148488379, ClinGen allele CA7927977.

ClinVar aggregate classification (germline): Uncertain significance (1 of 4 stars; one submission).

Conditions:
Desbuquois dysplasia 1 (DBQD1). Also called: DESBUQUOIS DYSPLASIA 1, KIM VARIANT; MICROMELIC DWARFISM WITH VERTEBRAL AND METAPHYSEAL ABNORMALITIES AND ADVANCED CARPOTARSAL OSSIFICATION. Identifiers: Orphanet 1425, MedGen C4012146, MONDO:0009629, OMIM 251450.

Allele frequency attached by ClinVar (database versions not stated): gnomAD exomes 0.00001; ExAC 0.00002; TOPMed 0.00005; gnomAD 0.00007; ESP Exome Variant Server 0.00015.
gnomAD v4.1: 29 of 1,614,034 alleles (0.0018%); highest among the groups gnomAD compares: African/African-American, 0.024%; no homozygotes.

Submission:

Labcorp Genetics (formerly Invitae), Labcorp
Classification: Uncertain significance for Desbuquois dysplasia 1. Last evaluated: 2025-10-20. Review status: criteria provided, single submitter. Criteria: Invitae Variant Classification Sherloc (09022015). Collection method: clinical testing. Allele origin: germline.
Comment: This sequence change replaces alanine, which is neutral and non-polar, with valine, which is neutral and non-polar, at codon 424 of the XYLT1 protein (p.Ala424Val). This variant is present in population databases (rs148488379, gnomAD 0.02%). This variant has not been reported in the literature in individuals affected with XYLT1-related conditions. ClinVar contains an entry for this variant (Variation ID: 2063295). Invitae Evidence Modeling of protein sequence and biophysical properties (such as structural, functional, and spatial information, amino acid conservation, physicochemical variation, residue mobility, and thermodynamic stability) indicates that this missense variant is expected to disrupt XYLT1 protein function with a positive predictive value of 80%. In summary, the available evidence is currently insufficient to determine the role of this variant in disease. Therefore, it has been classified as a Variant of Uncertain Significance.